The following is an entry in ClinVar:

ClinVar aggregate classification (germline): Uncertain significance. Review status: criteria provided, multiple submitters, no conflicts (2 of 4 stars). 2 submissions from 2 submitters: Uncertain significance (2). Last evaluated 2024-11-03.

Conditions:
Inborn genetic diseases. Identifiers: MedGen C0950123, MeSH D030342.

Allele frequency attached by ClinVar (database versions not stated): TOPMed 0.00005; gnomAD 0.00001; ExAC 0.00002; ESP Exome Variant Server 0.00008.
gnomAD v4.1: 22 of 1,613,736 alleles (0.0014%); highest among the groups gnomAD compares: South Asian, 0.0055%; no homozygotes.

Submissions (2):

Labcorp Genetics (formerly Invitae), Labcorp
Classification: Uncertain significance. Last evaluated: 2024-11-03. Review status: criteria provided, single submitter. Criteria: Invitae Variant Classification Sherloc (09022015). Collection method: clinical testing. Allele origin: germline.
Comment: This sequence change replaces arginine, which is basic and polar, with glutamine, which is neutral and polar, at codon 680 of the XYLT2 protein (p.Arg680Gln). This variant is present in population databases (rs139687876, gnomAD 0.006%). This variant has not been reported in the literature in individuals affected with XYLT2-related conditions. ClinVar contains an entry for this variant (Variation ID: 2315151). Invitae Evidence Modeling of protein sequence and biophysical properties (such as structural, functional, and spatial information, amino acid conservation, physicochemical variation, residue mobility, and thermodynamic stability) indicates that this missense variant is not expected to disrupt XYLT2 protein function with a negative predictive value of 80%. In summary, the available evidence is currently insufficient to determine the role of this variant in disease. Therefore, it has been classified as a Variant of Uncertain Significance.

Ambry Genetics
Classification: Uncertain significance for Inborn genetic diseases. Last evaluated: 2022-10-03. Review status: criteria provided, single submitter. Criteria: Ambry Variant Classification Scheme 2023. Collection method: clinical testing. Allele origin: germline.

NM_022167.4(XYLT2):c.2039G>A (p.Arg680Gln)

Gene: XYLT2 (xylosyltransferase 2; plus strand). Cytogenetic location: 17q21.33.
Variant type: single nucleotide variant.
Coding change: c.2039G>A on transcript NM_022167.4 (MANE Select); coding-DNA position 2039, G replaced by A.
Protein change: p.Arg680Gln; replaces arginine 680 with glutamine.
Molecular consequence: missense variant.
Genome position (GRCh38, 1-based): chr17:50,358,304, G>A. VCF-style: chr17-50358304-G-A. GRCh37 (hg19) VCF-style: chr17-48435665-G-A.
Other names: short protein forms R680Q.
Identifiers: ClinVar variation 2315151 (VCV002315151.4), dbSNP rs139687876, ClinGen allele CA8646647.